The following is an entry in ClinVar:

ClinVar aggregate classification (germline): Uncertain significance. Review status: criteria provided, multiple submitters, no conflicts (2 of 4 stars). 2 submissions from 2 submitters: Uncertain significance (2). Last evaluated 2025-12-09.

Conditions:
Cardiomyopathy (CMYO). Also called: Cardiomyopathies. Identifiers: Orphanet 167848, MedGen C0878544, MONDO:0004994, HP:0001638. Inheritance: Various modes of inheritance.
Catecholaminergic polymorphic ventricular tachycardia 1. Also called: VENTRICULAR TACHYCARDIA, STRESS-INDUCED POLYMORPHIC 1; VENTRICULAR TACHYCARDIA, CATECHOLAMINERGIC POLYMORPHIC, 1, WITH OR WITHOUT ATRIAL DYSFUNCTION AND/OR DILATED CARDIOMYOPATHY; RYR2-Related Catecholaminergic Polymorphic Ventricular Tachycardia. Identifiers: Orphanet 3286, MedGen C1631597, MONDO:0011484, OMIM 604772.

Submissions (2):

Color Diagnostics, LLC DBA Color Health
Classification: Uncertain significance for Cardiomyopathy. Last evaluated: 2025-12-09. Review status: criteria provided, single submitter. Criteria: ACMG Guidelines, 2015. Collection method: clinical testing. Allele origin: germline.
Comment: This missense variant replaces proline with threonine at codon 3647 of the RYR2 protein. Computational prediction suggests that this variant may not impact protein structure and function. To our knowledge, functional studies have not been reported for this variant. This variant has not been reported in individuals affected with RYR2-related disorders in the literature. This variant has not been identified in the general population by the Genome Aggregation Database (gnomAD). The available evidence is insufficient to determine the role of this variant in disease conclusively. Therefore, this variant is classified as a Variant of Uncertain Significance.

Labcorp Genetics (formerly Invitae), Labcorp
Classification: Uncertain significance for Catecholaminergic polymorphic ventricular tachycardia 1. Last evaluated: 2024-06-24. Review status: criteria provided, single submitter. Criteria: Invitae Variant Classification Sherloc (09022015). Collection method: clinical testing. Allele origin: germline.
Comment: This sequence change replaces proline, which is neutral and non-polar, with threonine, which is neutral and polar, at codon 3647 of the RYR2 protein (p.Pro3647Thr). This variant is not present in population databases (gnomAD no frequency). This variant has not been reported in the literature in individuals affected with RYR2-related conditions. Advanced modeling of protein sequence and biophysical properties (such as structural, functional, and spatial information, amino acid conservation, physicochemical variation, residue mobility, and thermodynamic stability) performed at Invitae indicates that this missense variant is not expected to disrupt RYR2 protein function with a negative predictive value of 95%. In summary, the available evidence is currently insufficient to determine the role of this variant in disease. Therefore, it has been classified as a Variant of Uncertain Significance.

NM_001035.3(RYR2):c.10939C>A (p.Pro3647Thr)

Gene: RYR2 (ryanodine receptor 2; plus strand). Cytogenetic location: 1q43.
Variant type: single nucleotide variant.
Coding change: c.10939C>A on transcript NM_001035.3 (MANE Select); coding-DNA position 10939, C replaced by A.
Protein change: p.Pro3647Thr; replaces proline 3647 with threonine.
Molecular consequence: missense variant.
Genome position (GRCh38, 1-based): chr1:237,732,049, C>A. VCF-style: chr1-237732049-C-A. GRCh37 (hg19) VCF-style: chr1-237895349-C-A.
Other names: short protein forms P3647T.
Identifiers: ClinVar variation 3708261 (VCV003708261.3).
Genomic context (GRCh38, chr1:237,732,049, plus strand): 5'-GATTTGAGTGAACATTTTTTTTTAATGTGACATTTTATAAATTTGACTTTTTTGCAGAAA[C>A]CTGGGGCTGAACCTCCAGAAGAAGATGAAGGCACTAAGAGAGTTGATCCTCTACATCAGC-3'
Protein context (NP_001026.2, residues 3637-3657): EDKLIEDLAK[Pro3647Thr]GAEPPEEDEG